The following is an entry in ClinVar:

NM_000038.6(APC):c.933+1G>A

Gene: APC (APC regulator of Wnt signaling pathway; plus strand). Cytogenetic location: 5q22.2.
Variant type: single nucleotide variant.
Coding change: c.933+1G>A on transcript NM_000038.6 (MANE Select); the canonical splice donor site of the intron after coding-DNA position 933, G replaced by A.
Molecular consequence: splice donor variant.
Genome position (GRCh38, 1-based): chr5:112,815,594, G>A. VCF-style: chr5-112815594-G-A. GRCh37 (hg19) VCF-style: chr5-112151291-G-A.
Other names: c.84+1G>A (NM_001407470.1, NM_001407472.1, NM_001354906.2 and 1 more transcripts); c.933+1G>A (NM_001407447.1, NM_001354895.2, NM_001407456.1 and 12 more transcripts); c.849+1G>A (NM_001407452.1, NM_001407469.1, NM_001354899.2 and 1 more transcripts); c.963+1G>A (NM_001407446.1, NM_001354897.2, NM_001354902.2); c.879+1G>A (NM_001127511.3); c.756+1G>A (NM_001407453.1, NM_001354900.2, NM_001354901.2 and 1 more transcripts); c.858+1G>A (NM_001407451.1, NM_001354898.2, NM_001354904.2).
Identifiers: ClinVar variation 233970 (VCV000233970.18), dbSNP rs876660765, ClinGen allele CA10578303.

ClinVar aggregate classification (germline): Pathogenic/Likely pathogenic. Review status: criteria provided, multiple submitters, no conflicts (2 of 4 stars). 4 submissions from 4 submitters: Pathogenic (2); Likely pathogenic (2). Last evaluated 2025-04-30.

Conditions:
Carcinoma of colon (CRC). Also called: Colon carcinoma; Colonic carcinoma. Identifiers: MedGen C0699790, MONDO:0002032.
Hepatocellular carcinoma (HCC). Also called: Primary carcinoma of liver; HEPATOMA; LIVER CELL CARCINOMA. Identifiers: Orphanet 88673, MedGen C2239176, MONDO:0007256, OMIM 114550, HP:0001402.
Desmoid disease, hereditary (DESMD). Also called: FIBROMATOSIS, FAMILIAL INFILTRATIVE. Identifiers: Orphanet 873, MedGen C1851124, OMIM 135290. Disease mechanism: loss of function.
Familial adenomatous polyposis 1 (FAP1). Also called: POLYPOSIS, ADENOMATOUS INTESTINAL; FAMILIAL ADENOMATOUS POLYPOSIS 1, ATTENUATED. Identifiers: MedGen C2713442, MONDO:0021056, OMIM 175100. Disease mechanism: loss of function.
Neoplasm of stomach. Also called: Gastric neoplasm; Stomach Neoplasms; Neoplasm of the stomach. Identifiers: MedGen C0038356, MONDO:0021085, HP:0006753. Disease mechanism: gain of function. Inheritance: Somatic mutation.
Hereditary cancer-predisposing syndrome. Also called: Hereditary neoplastic syndrome; Tumor predisposition; Neoplastic Syndromes, Hereditary; Hereditary Cancer Syndrome. Identifiers: Orphanet 140162, MedGen C0027672, MeSH D009386, MONDO:0015356.

Allele frequency attached by ClinVar (database versions not stated): gnomAD exomes below 0.00001.
gnomAD v4.1: 1 of 1,608,722 alleles (0.000062%); highest among the groups gnomAD compares: Non-Finnish European, 0.000085%; no homozygotes.

Submissions (4):

Ambry Genetics
Classification: Pathogenic for Hereditary cancer-predisposing syndrome. Last evaluated: 2025-04-30. Review status: criteria provided, single submitter. Criteria: Ambry Variant Classification Scheme 2023. Collection method: clinical testing. Allele origin: germline.
Comment: The c.933+1G>A intronic pathogenic mutation results from a G to A substitution one nucleotide after coding exon 8 of the APC gene. Alterations that disrupt the canonical splice site are expected to cause aberrant splicing. In silico splice site analysis predicts that this alteration will weaken the native splice donor site. This mutation has been identified in an FAP kindred (Wells D et al, Hum. Mutat. 1996 ; 8(2):193-5) and in colonic polyposis patients (Lagarde A et al. J Med Genet, 2010 Oct;47:721-2; Ambry internal data). This mutation was also reported on multigene panel testing in a cohort of individuals considered to be at high risk for hereditary colon cancer (Park JS et al. Dis Colon Rectum, 2022 Jun;65:793-803). This variant is considered to be rare based on population cohorts in the Genome Aggregation Database (gnomAD). This nucleotide position is highly conserved in available vertebrate species. Based on the supporting evidence, this variant is interpreted as a disease-causing mutation.

Myriad Genetics, Inc.
Classification: Likely pathogenic for Familial adenomatous polyposis 1. Last evaluated: 2023-04-28. Review status: criteria provided, single submitter. Criteria: Myriad Autosomal Dominant, Autosomal Recessive and X-Linked Classification Criteria (2023). Collection method: clinical testing. Allele origin: unknown.
Comment: This variant is considered likely pathogenic. This variant occurs within a consensus splice junction and is predicted to result in abnormal mRNA splicing of either an out-of-frame exon or an in-frame exon necessary for protein stability and/or normal function.

Labcorp Genetics (formerly Invitae), Labcorp
Classification: Likely pathogenic for Familial adenomatous polyposis 1. Last evaluated: 2020-06-03. Review status: criteria provided, single submitter. Criteria: Invitae Variant Classification Sherloc (09022015). Collection method: clinical testing. Allele origin: germline.
Comment: This variant has been reported in individuals affected with familial adenomatous polyposis (PMID: 8844222, 20685668). ClinVar contains an entry for this variant (Variation ID: 233970). This variant is not present in population databases (ExAC no frequency). This sequence change affects a donor splice site in intron 9 of the APC gene. It is expected to disrupt RNA splicing and likely results in an absent or disrupted protein product. Donor and acceptor splice site variants typically lead to a loss of protein function (PMID: 16199547), and loss-of-function variants in APC are known to be pathogenic (PMID: 17963004, 20685668). In summary, the currently available evidence indicates that the variant is pathogenic, but additional data are needed to prove that conclusively. Therefore, this variant has been classified as Likely Pathogenic.

Fulgent Genetics
Classification: Pathogenic for Colorectal cancer; Hepatocellular carcinoma; Desmoid disease, hereditary; Familial adenomatous polyposis 1; Gastric cancer. Last evaluated: 2018-10-31. Review status: criteria provided, single submitter. Criteria: ACMG Guidelines, 2015. Collection method: clinical testing. Allele origin: unknown.

Literature cited by the submitters: PubMed 20685668 (cited by Ambry Genetics and Labcorp Genetics (formerly Invitae), Labcorp); PubMed 34897210 (cited by Ambry Genetics); PubMed 8844222 (cited by Ambry Genetics and Labcorp Genetics (formerly Invitae), Labcorp); PubMed 16199547 (cited by Labcorp Genetics (formerly Invitae), Labcorp); PubMed 17963004 (cited by Labcorp Genetics (formerly Invitae), Labcorp).